The following is an entry in ClinVar:

NM_000435.3(NOTCH3):c.4405C>T (p.Pro1469Ser)

Gene: NOTCH3 (notch receptor 3; minus strand). Cytogenetic location: 19p13.12.
Variant type: single nucleotide variant.
Coding change: c.4405C>T on transcript NM_000435.3 (MANE Select); coding-DNA position 4405, C replaced by T.
Protein change: p.Pro1469Ser; replaces proline 1469 with serine.
Molecular consequence: missense variant.
Genome position (GRCh38, 1-based): chr19:15,174,399, G>A on the plus strand (C>T on the coding strand, the complement: NOTCH3 is on the minus strand). VCF-style: chr19-15174399-G-A. GRCh37 (hg19) VCF-style: chr19-15285210-G-A.
Other names: short protein forms P1469S.
Identifiers: ClinVar variation 3768985 (VCV003768985.1).

ClinVar aggregate classification (germline): Uncertain significance (1 of 4 stars; one submission).

Submission:

Women's Health and Genetics/Laboratory Corporation of America, LabCorp
Classification: Uncertain significance. Last evaluated: 2025-02-18. Review status: criteria provided, single submitter. Criteria: LabCorp Variant Classification Summary - May 2015. Collection method: clinical testing. Allele origin: germline.
Comment: Variant summary: NOTCH3 c.4405C>T (p.Pro1469Ser) results in a non-conservative amino acid change in the encoded protein sequence. Four of five in-silico tools predict a damaging effect of the variant on protein function. The variant was absent in 132858 control chromosomes. The available data on variant occurrences in the general population are insufficient to allow any conclusion about variant significance. To our knowledge, no occurrence of c.4405C>T in individuals affected with Cerebral arteriopathy, autosomal dominant, with subcortical infarcts and leukoencephalopathy, type 1 and no experimental evidence demonstrating its impact on protein function have been reported. No submitters have cited clinical-significance assessments for this variant to ClinVar. Based on the evidence outlined above, the variant was classified as uncertain significance.